The following is an entry in ClinVar:

NM_138420.4(AHNAK2):c.2703T>C (p.Leu901=)

Gene: AHNAK2 (AHNAK nucleoprotein 2; minus strand). Cytogenetic location: 14q32.33.
Variant type: single nucleotide variant.
Coding change: c.2703T>C on transcript NM_138420.4 (MANE Select); coding-DNA position 2703, T replaced by C.
Protein change: p.Leu901=; no amino-acid change (leucine 901 retained).
Molecular consequence: synonymous variant.
Genome position (GRCh38, 1-based): chr14:104,952,748, A>G on the plus strand (T>C on the coding strand, the complement: AHNAK2 is on the minus strand). VCF-style: chr14-104952748-A-G. GRCh37 (hg19) VCF-style: chr14-105419085-A-G.
Other names: c.2403T>C, p.Leu801= (NM_001350929.2).
Identifiers: ClinVar variation 2644876 (VCV002644876.24), dbSNP rs752728846, ClinGen allele CA7383382.

ClinVar aggregate classification (germline): Likely benign (1 of 4 stars; one submission).

Allele frequency attached by ClinVar (database versions not stated): ExAC 0.00002.

Submission:

CeGaT Center for Human Genetics Tuebingen
Classification: Likely benign. Last evaluated: 2022-12-01. Review status: criteria provided, single submitter. Criteria: CeGaT Center For Human Genetics Tuebingen Variant Classification Criteria Version 2. Collection method: clinical testing. Allele origin: germline. Affected: yes. Observed: 1 variant allele.
Comment: AHNAK2: BP4, BP7